The following is an entry in ClinVar:

ClinVar aggregate classification (germline): Uncertain significance. Review status: criteria provided, multiple submitters, no conflicts (2 of 4 stars). 2 submissions from 2 submitters: Uncertain significance (2). Last evaluated 2024-05-03.

Conditions:
Orofaciodigital syndrome type 6 (OFD6). Also called: OROFACIODIGITAL SYNDROME VI; OFDS VI; POLYDACTYLY, CLEFT LIP/PALATE OR LINGUAL LUMP, AND PSYCHOMOTOR RETARDATION; VARADI SYNDROME; VARADI-PAPP SYNDROME; Oral-facial-digital syndrome type 6. Identifiers: Orphanet 2754, MedGen C2745997, MONDO:0010176, OMIM 277170.
Joubert syndrome 17 (JBTS17). Identifiers: Orphanet 475, MedGen C3553264, MONDO:0013824, OMIM 614615.

Allele frequency attached by ClinVar (database versions not stated): gnomAD exomes below 0.00001; gnomAD 0.00001; TOPMed 0.00001.
gnomAD v4.1: 4 of 1,613,778 alleles (0.00025%); highest among the groups gnomAD compares: African/African-American, 0.004%; no homozygotes.

Submissions (2):

Fulgent Genetics
Classification: Uncertain significance for Orofaciodigital syndrome type 6; Joubert syndrome 17. Last evaluated: 2024-05-03. Review status: criteria provided, single submitter. Criteria: ACMG Guidelines, 2015. Collection method: clinical testing. Allele origin: germline.

Labcorp Genetics (formerly Invitae), Labcorp
Classification: Uncertain significance. Last evaluated: 2022-09-27. Review status: criteria provided, single submitter. Criteria: Invitae Variant Classification Sherloc (09022015). Collection method: clinical testing. Allele origin: germline.
Comment: This sequence change replaces glutamic acid, which is acidic and polar, with glutamine, which is neutral and polar, at codon 1955 of the CPLANE1 protein (p.Glu1955Gln). This variant is not present in population databases (gnomAD no frequency). This variant has not been reported in the literature in individuals affected with CPLANE1-related conditions. ClinVar contains an entry for this variant (Variation ID: 1401313). Advanced modeling of protein sequence and biophysical properties (such as structural, functional, and spatial information, amino acid conservation, physicochemical variation, residue mobility, and thermodynamic stability) performed at Invitae indicates that this missense variant is not expected to disrupt CPLANE1 protein function. In summary, the available evidence is currently insufficient to determine the role of this variant in disease. Therefore, it has been classified as a Variant of Uncertain Significance.

NM_001384732.1(CPLANE1):c.5863G>C (p.Glu1955Gln)

Gene: CPLANE1 (ciliogenesis and planar polarity effector complex subunit 1; minus strand). Cytogenetic location: 5p13.2.
Variant type: single nucleotide variant.
Coding change: c.5863G>C on transcript NM_001384732.1 (MANE Select); coding-DNA position 5863, G replaced by C.
Protein change: p.Glu1955Gln; replaces glutamic acid 1955 with glutamine.
Molecular consequence: missense variant.
Genome position (GRCh38, 1-based): chr5:37,177,658, C>G on the plus strand (G>C on the coding strand, the complement: CPLANE1 is on the minus strand). VCF-style: chr5-37177658-C-G. GRCh37 (hg19) VCF-style: chr5-37177760-C-G.
Other names: c.5863G>C, p.Glu1955Gln (NM_023073.4); short protein forms E1955Q.
Identifiers: ClinVar variation 1401313 (VCV001401313.8), dbSNP rs1042774343, ClinGen allele CA117065524.